The following is an entry in ClinVar:

ClinVar aggregate classification (germline): Pathogenic (1 of 4 stars; one submission).

Conditions:
Familial adenomatous polyposis 1 (FAP1). Also called: POLYPOSIS, ADENOMATOUS INTESTINAL; FAMILIAL ADENOMATOUS POLYPOSIS 1, ATTENUATED. Identifiers: MedGen C2713442, MONDO:0021056, OMIM 175100. Disease mechanism: loss of function.

Submission:

Myriad Genetics, Inc.
Classification: Pathogenic for Familial adenomatous polyposis 1. Last evaluated: 2023-04-27. Review status: criteria provided, single submitter. Criteria: Myriad Autosomal Dominant, Autosomal Recessive and X-Linked Classification Criteria (2023). Collection method: clinical testing. Allele origin: unknown.
Comment: This variant is considered pathogenic. This variant creates a frameshift predicted to result in premature protein truncation.

NM_000038.6(APC):c.643_644del (p.Gln215fs)

Gene: APC (APC regulator of Wnt signaling pathway; plus strand). Cytogenetic location: 5q22.2.
Variant type: Microsatellite.
Coding change: c.643_644del on transcript NM_000038.6 (MANE Select); coding-DNA positions 643 to 644, 2 bases deleted (CA; older notation c.643_644delCA).
Protein change: p.Gln215fs; shifts the reading frame from glutamine 215.
Molecular consequence: frameshift variant. On other transcripts: 5 prime UTR variant (4), non-coding transcript variant (2).
Genome position (GRCh38, 1-based): chr5:112,780,901-112,780,902, CA deleted; deleting any 2 consecutive bases within chr5:112,780,899-112,780,902 gives the same sequence; the c. name uses the placement nearest the transcript's 3' end. VCF-style (leftmost placement, unchanged base first): chr5-112780898-GCA-G. GRCh37 (hg19) VCF-style: chr5-112116595-GCA-G.
Other names: c.643_644del, p.Gln215fs (NM_001127510.3, NM_001354895.2, NM_001354896.2 and 16 more transcripts); c.673_674del, p.Gln225fs (NM_001127511.3, NM_001354897.2, NM_001354902.2 and 1 more transcripts); c.568_569del, p.Gln190fs (NM_001354898.2, NM_001354904.2, NM_001407451.1); c.466_467del, p.Gln156fs (NM_001354900.2, NM_001354901.2, NM_001354905.2 and 1 more transcripts); c.-395CA[1] (NM_001354906.2, NM_001407470.1, NM_001407471.1 and 1 more transcripts); short protein forms Q156fs, Q190fs, Q215fs, Q225fs.
Identifiers: ClinVar variation 2583699 (VCV002583699.2), dbSNP rs2532490836, ClinGen allele CA2582341603.